The following is an entry in ClinVar:

NM_001206927.2(DNAH8):c.10950G>T (p.Val3650=)

Genes: DNAH8 (dynein axonemal heavy chain 8; plus strand), DNAH8-AS1 (DNAH8 antisense RNA 1; minus strand). Cytogenetic location: 6p21.2.
Variant type: single nucleotide variant.
Coding change: c.10950G>T on transcript NM_001206927.2 (MANE Select); coding-DNA position 10950, G replaced by T.
Protein change: p.Val3650=; no amino-acid change (valine 3650 retained).
Molecular consequence: synonymous variant.
Genome position (GRCh38, 1-based): chr6:38,924,150, G>T. VCF-style: chr6-38924150-G-T. GRCh37 (hg19) VCF-style: chr6-38891926-G-T.
Other names: c.10299G>T, p.Val3433= (NM_001371.4).
Identifiers: ClinVar variation 2089852 (VCV002089852.3), dbSNP rs758150048, ClinGen allele CA137583955.

ClinVar aggregate classification (germline): Uncertain significance (1 of 4 stars; one submission).

Conditions:
Primary ciliary dyskinesia. Also called: Ciliary dyskinesia. Identifiers: Orphanet 244, MedGen C0008780, MONDO:0016575, HP:0012265.

gnomAD v4.1: 2 of 1,613,548 alleles (0.00012%); highest among the groups gnomAD compares: Admixed American, 0.0017%; no homozygotes.

Submission:

Labcorp Genetics (formerly Invitae), Labcorp
Classification: Uncertain significance for Primary ciliary dyskinesia. Last evaluated: 2024-12-09. Review status: criteria provided, single submitter. Criteria: Invitae Variant Classification Sherloc (09022015). Collection method: clinical testing. Allele origin: germline.
Comment: This sequence change affects codon 3650 of the DNAH8 mRNA. It is a 'silent' change, meaning that it does not change the encoded amino acid sequence of the DNAH8 protein. This variant is present in population databases (no rsID available, gnomAD 0.003%). This variant has not been reported in the literature in individuals affected with DNAH8-related conditions. ClinVar contains an entry for this variant (Variation ID: 2089852). Algorithms developed to predict the effect of sequence changes on RNA splicing suggest that this variant may disrupt the consensus splice site. In summary, the available evidence is currently insufficient to determine the role of this variant in disease. Therefore, it has been classified as a Variant of Uncertain Significance.